The following is an entry in ClinVar:

ClinVar aggregate classification (germline): Uncertain significance. Review status: criteria provided, multiple submitters, no conflicts (2 of 4 stars). 10 submissions from 10 submitters: Uncertain significance (8). 2 of the submissions do not count toward it. Last evaluated 2026-02-23.

Conditions:
CFTR-related disorder (CFTR-RD). Also called: CFTR-related disorders; CFTR-related condition. Identifiers: MedGen C5924204, MONDO:7770004.
Congenital bilateral aplasia of vas deferens from CFTR mutation (CBAVD). Identifiers: Orphanet 48, MedGen C0403814, MONDO:0010178, OMIM 277180. Disease mechanism: loss of function.
Bronchiectasis with or without elevated sweat chloride 1 (BESC1). Also called: Cystic Fibrosis-Like Syndrome. Identifiers: Orphanet 60033, MedGen C2749757, MONDO:0008887, OMIM 211400.
Hereditary pancreatitis (PCTT). Also called: Hereditary chronic pancreatitis; PRSS1-Related Hereditary Pancreatitis. Identifiers: Orphanet 676, MedGen C0238339, MONDO:0008185, OMIM 167800.
Cystic fibrosis (CF). Also called: MUCOVISCIDOSIS. Identifiers: Orphanet 586, MedGen C0010674, MONDO:0009061, OMIM 219700. Disease mechanism: loss of function.

Allele frequency attached by ClinVar (database versions not stated): gnomAD 0.00001 and 0.00006; TOPMed 0.00001; gnomAD exomes 0.00004 and 0.00005; ExAC 0.00008; 1000 Genomes Project 0.00060; 1000 Genomes Project 30x 0.00062.
gnomAD v4.1: 69 of 1,590,640 alleles (0.0043%); highest among the groups gnomAD compares: South Asian, 0.07%; 1 homozygote.

Submissions (10):

Ambry Genetics
Classification: Uncertain significance for Cystic fibrosis. Last evaluated: 2026-02-23. Review status: criteria provided, single submitter. Criteria: Ambry Variant Classification Scheme 2023. Collection method: clinical testing. Allele origin: germline.
Comment: The c.3468+6T>C intronic variant results from a T to C substitution 6 nucleotides after coding exon 21 in the CFTR gene. This variant was not reported in population based cohorts in the following databases: Database of Single Nucleotide Polymorphisms (dbSNP), NHLBI Exome Sequencing Project (ESP), and 1000 Genomes Project. In the ESP, this variant was not observed in 6503 samples (13006 alleles) with coverage at this position. This nucleotide position is conserved on limited sequence alignment. Using the BDGP and ESEfinder splice site prediction tools, this alteration is not predicted to have any significant effect on this donor splice site; however, direct evidence is unavailable. Since supporting evidence is limited at this time, the clinical significance of this variant remains unclear

Women's Health and Genetics/Laboratory Corporation of America, LabCorp
Classification: Uncertain significance. Last evaluated: 2026-01-26. Review status: criteria provided, single submitter. Criteria: LabCorp Variant Classification Summary - May 2015. Collection method: clinical testing. Allele origin: germline.
Comment: Variant summary: CFTR c.3468+6T>C alters a nucleotide located close to a canonical splice site and therefore could affect mRNA splicing, leading to a significantly altered protein sequence. Consensus agreement among computation tools predict no significant impact on normal splicing. However, these predictions have yet to be confirmed by functional studies. The variant allele was found at a frequency of 4.8e-05 in 250594 control chromosomes in the gnomAD database, including 1 homozygote. c.3468+6T>C has been observed in individuals affected with Cystic Fibrosis and related phenotypes (e.g. Ashavaid_2012, Deepak_2012, Jalaly_2017, Sadeghi_2024, Li_2024), however these data do not allow clear conclusion about variant significance. To our knowledge, no experimental evidence demonstrating an impact on protein function has been reported. The following publications have been ascertained in the context of this evaluation (PMID: 23405520, 27625827, 28440306, 39532587, 39592508). ClinVar contains an entry for this variant (Variation ID: 549991). Based on the evidence outlined above, the variant was classified as uncertain significance.

Mayo Clinic Laboratories, Mayo Clinic
Classification: Uncertain significance. Last evaluated: 2025-06-18. Review status: criteria provided, single submitter. Criteria: ACMG Guidelines, 2015. Collection method: clinical testing. Allele origin: germline. Observed: 1 variant allele.
Comment: BP4, BP7

PreventionGenetics, part of Exact Sciences
Classification: Uncertain significance for CFTR-related condition. Last evaluated: 2025-03-31. Review status: criteria provided, single submitter. Criteria: ACMG Guidelines, 2015. Collection method: clinical testing. Allele origin: germline.
Comment: The CFTR c.3468+6T>C variant is predicted to interfere with splicing. This variant is predicted to impact splicing based on available splicing prediction programs (SpliceAI, Jaganathan et al. 2019. PubMed ID: 30661751). However, the use of computer prediction programs is not equivalent to functional evidence. This variant has been reported in an individual with clinical suspicion of cystic fibrosis although it is not clear if a second CFTR variant was detected and no additional information regarding phenotype was provided (reported as 3600+6(T>C), Deepak and Ashavaid 2012. PubMed ID: 27625827). This variant has also been reported in the heterozygous state in an individual with acute recurrent idiopathic pancreatitis (Jalaly et al. 2017. PubMed ID: 28440306). This variant is reported in 0.029% of alleles in individuals of South Asian descent in gnomAD. At this time, the clinical significance of this variant is uncertain due to the absence of conclusive functional and genetic evidence.

Labcorp Genetics (formerly Invitae), Labcorp
Classification: Uncertain significance for Cystic fibrosis. Last evaluated: 2024-05-08. Review status: criteria provided, single submitter. Criteria: Invitae Variant Classification Sherloc (09022015). Collection method: clinical testing. Allele origin: germline.
Comment: This sequence change falls in intron 21 of the CFTR gene. It does not directly change the encoded amino acid sequence of the CFTR protein. It affects a nucleotide within the consensus splice site. This variant is present in population databases (rs547442588, gnomAD 0.03%), including at least one homozygous and/or hemizygous individual. This variant has been observed in individual(s) with Cystic Fibrosis (PMID: 27625827, 28440306). This variant is also known as c.3600+6(T‚ÜíC). ClinVar contains an entry for this variant (Variation ID: 549991). Variants that disrupt the consensus splice site are a relatively common cause of aberrant splicing (PMID: 17576681, 9536098). Algorithms developed to predict the effect of sequence changes on RNA splicing suggest that this variant is not likely to affect RNA splicing. In summary, the available evidence is currently insufficient to determine the role of this variant in disease. Therefore, it has been classified as a Variant of Uncertain Significance.

Fulgent Genetics
Classification: Uncertain significance for Hereditary pancreatitis; Bronchiectasis with or without elevated sweat chloride 1; Cystic fibrosis; Congenital bilateral aplasia of vas deferens from CFTR mutation. Last evaluated: 2022-02-11. Review status: criteria provided, single submitter. Criteria: ACMG Guidelines, 2015. Collection method: clinical testing. Allele origin: unknown.

Genome-Nilou Lab
Classification: Uncertain significance for Cystic fibrosis. Last evaluated: 2021-09-05. Review status: criteria provided, single submitter. Criteria: ACMG Guidelines, 2015. Collection method: clinical testing. Allele origin: germline. Affected: no.

Foundation for Research in Genetics and Endocrinology, FRIGE's Institute of Human Genetics
Classification: Uncertain significance for Cystic fibrosis. Last evaluated: 2020-02-19. Review status: criteria provided, single submitter. Criteria: ACMG Guidelines, 2015. Collection method: clinical testing. Allele origin: germline. Inheritance: Autosomal recessive inheritance. Affected: yes. Observed: 1 heterozygote.
Comment: A heterozygous splice site variation in intron 21 of the CFTR gene was detected. The observed variant c.3468+6T>C has been reported in ClinVar as variant of uncertain significance previously. The variant is found to have allele frequency of <0.1% in the gnomAD database. In summary, the variant meets our criteria to be classified as a variant of unknown significance.

Natera, Inc.
Classification: Uncertain significance for CFTR-related disorders. Last evaluated: 2017-05-09. Review status: no assertion criteria provided. Collection method: clinical testing. Allele origin: germline. Not counted in ClinVar's aggregate classification.

Counsyl
Classification: Uncertain significance for Cystic fibrosis. Last evaluated: 2016-12-28. Review status: no assertion criteria provided. Collection method: clinical testing. Allele origin: unknown. Not counted in ClinVar's aggregate classification.

Literature cited by the submitters: PubMed 27625827 (cited by 4 submitters); PubMed 28440306 (cited by 4 submitters); PubMed 23405520 (cited by Women's Health and Genetics/Laboratory Corporation of America, LabCorp and Counsyl); PubMed 39532587 (cited by Women's Health and Genetics/Laboratory Corporation of America, LabCorp); PubMed 39592508 (cited by Women's Health and Genetics/Laboratory Corporation of America, LabCorp); PubMed 17576681 (cited by Labcorp Genetics (formerly Invitae), Labcorp); PubMed 9536098 (cited by Labcorp Genetics (formerly Invitae), Labcorp).

NM_000492.4(CFTR):c.3468+6T>C

Genes: CFTR (CF transmembrane conductance regulator; plus strand), CFTR-AS2 (CFTR antisense RNA 2; minus strand). Cytogenetic location: 7q31.2.
Variant type: single nucleotide variant.
Coding change: c.3468+6T>C on transcript NM_000492.4 (MANE Select); 6 bases into the intron after coding-DNA position 3468, T replaced by C.
Genome position (GRCh38, 1-based): chr7:117,614,719, T>C. VCF-style: chr7-117614719-T-C. GRCh37 (hg19) VCF-style: chr7-117254773-T-C.
Other names: p.?; c.3468+6T>C (LRG_663t1).
Identifiers: ClinVar variation 549991 (VCV000549991.26), dbSNP rs547442588, ClinGen allele CA4451463.